The following is an entry in ClinVar:

ClinVar aggregate classification (germline): Uncertain significance (1 of 4 stars; one submission).

Conditions:
Inborn genetic diseases. Identifiers: MedGen C0950123, MeSH D030342.

gnomAD v4.1: 1 of 1,614,076 alleles (0.000062%); highest among the groups gnomAD compares: Non-Finnish European, 0.000085%; no homozygotes.

Submission:

Ambry Genetics
Classification: Uncertain significance for Inborn genetic diseases. Last evaluated: 2025-09-25. Review status: criteria provided, single submitter. Criteria: Ambry Variant Classification Scheme 2023. Collection method: clinical testing. Allele origin: germline.
Comment: The p.Q445P variant (also known as c.1334A>C), located in coding exon 10 of the BUB1B gene, results from an A to C substitution at nucleotide position 1334. The glutamine at codon 445 is replaced by proline, an amino acid with similar properties. This amino acid position is conserved. In addition, the in silico prediction for this alteration is inconclusive. Based on the available evidence, the clinical significance of this variant remains unclear.

NM_001211.6(BUB1B):c.1334A>C (p.Gln445Pro)

Gene: BUB1B (BUB1 mitotic checkpoint serine/threonine kinase B; plus strand). Cytogenetic location: 15q15.1.
Variant type: single nucleotide variant.
Coding change: c.1334A>C on transcript NM_001211.6 (MANE Select); coding-DNA position 1334, A replaced by C.
Protein change: p.Gln445Pro; replaces glutamine 445 with proline.
Molecular consequence: missense variant.
Genome position (GRCh38, 1-based): chr15:40,199,660, A>C. VCF-style: chr15-40199660-A-C. GRCh37 (hg19) VCF-style: chr15-40491861-A-C.
Other names: short protein forms Q445P.
Identifiers: ClinVar variation 4600225 (VCV004600225.1).